The following is an entry in ClinVar:

ClinVar aggregate classification (germline): Benign/Likely benign. Review status: criteria provided, multiple submitters, no conflicts (2 of 4 stars). 4 submissions from 4 submitters: Benign (1); Likely benign (2). 1 of the submissions does not count toward it. Last evaluated 2026-02-04.

Conditions:
HCFC1-related disorder. Also called: HCFC1-related condition.
Methylmalonic acidemia with homocystinuria, type cblX (MAHCX). Also called: INTELLECTUAL DEVELOPMENTAL DISORDER, X-LINKED 3. Identifiers: Orphanet 369962, MedGen C0796208, MONDO:0010657, OMIM 309541.

Allele frequency attached by ClinVar (database versions not stated): TOPMed 0.00033; gnomAD 0.00034 and 0.00035; gnomAD exomes 0.00037 and 0.00040; ExAC 0.00040; ESP Exome Variant Server 0.00068.

Submissions (4):

Labcorp Genetics (formerly Invitae), Labcorp
Classification: Benign for Methylmalonic acidemia with homocystinuria, type cblX. Last evaluated: 2026-02-04. Review status: criteria provided, single submitter. Criteria: Invitae Variant Classification Sherloc (09022015). Collection method: clinical testing. Allele origin: germline.

CeGaT Center for Human Genetics Tuebingen
Classification: Likely benign. Last evaluated: 2023-07-01. Review status: criteria provided, single submitter. Criteria: CeGaT Center For Human Genetics Tuebingen Variant Classification Criteria Version 2. Collection method: clinical testing. Allele origin: germline. Affected: yes. Observed: 2 variant alleles.
Comment: HCFC1: PP2, BS2

GeneDx
Classification: Likely benign. Last evaluated: 2017-09-26. Review status: criteria provided, single submitter. Criteria: GeneDx Variant Classification (06012015). Collection method: clinical testing. Allele origin: germline. Affected: yes.
Comment: This variant is considered likely benign or benign based on one or more of the following criteria: it is a conservative change, it occurs at a poorly conserved position in the protein, it is predicted to be benign by multiple in silico algorithms, and/or has population frequency not consistent with disease.

PreventionGenetics, part of Exact Sciences
Classification: Likely benign for HCFC1-related condition. Last evaluated: 2019-08-09. Review status: no assertion criteria provided. Collection method: clinical testing. Allele origin: germline. Not counted in ClinVar's aggregate classification.
Comment: This variant is classified as likely benign based on ACMG/AMP sequence variant interpretation guidelines (Richards et al. 2015 PMID: 25741868, with internal and published modifications).

NM_005334.3(HCFC1):c.2626G>A (p.Gly876Ser)

Gene: HCFC1 (host cell factor C1; minus strand). Cytogenetic location: Xq28.
Variant type: single nucleotide variant.
Coding change: c.2626G>A on transcript NM_005334.3 (MANE Select); coding-DNA position 2626, G replaced by A.
Protein change: p.Gly876Ser; replaces glycine 876 with serine.
Molecular consequence: missense variant.
Genome position (GRCh38, 1-based): chrX:153,956,634, C>T on the plus strand (G>A on the coding strand, the complement: HCFC1 is on the minus strand). VCF-style: chrX-153956634-C-T. GRCh37 (hg19) VCF-style: chrX-153222085-C-T.
Other names: short protein forms G876S.
Identifiers: ClinVar variation 425515 (VCV000425515.53), dbSNP rs200053475, ClinGen allele CA10557303.
Genomic context (GRCh38, chrX:153,956,634, plus strand): 5'-TGCTTCGTTATAATCTAGGGGTGGCAGGGGACCTGGCCTATGGGTACACACCTGTGGTGC[C>T]TTTCACAACCAACGTGGTGACGGCTGGCTTGACGGCGGAGACGGTGACGGGTGTGACCAG-3'
Protein context (NP_005325.2, residues 866-886): KPAVTTLVVK[Gly876Ser]TTGVTTLGTV